The following is an entry in ClinVar:

ClinVar aggregate classification (germline): Uncertain significance (1 of 4 stars; one submission).

Conditions:
Inborn genetic diseases. Identifiers: MedGen C0950123, MeSH D030342.

Allele frequency attached by ClinVar (database versions not stated): gnomAD exomes 0.00001.
gnomAD v4.1: 5 of 1,609,490 alleles (0.00031%); highest among the groups gnomAD compares: Non-Finnish European, 0.00042%; no homozygotes.

Submission:

Ambry Genetics
Classification: Uncertain significance for Inborn genetic diseases. Last evaluated: 2024-04-22. Review status: criteria provided, single submitter. Criteria: Ambry Variant Classification Scheme 2023. Collection method: clinical testing. Allele origin: germline.
Comment: The p.M2470L variant (also known as c.7408A>T), located in coding exon 50 of the LRRK2 gene, results from an A to T substitution at nucleotide position 7408. The methionine at codon 2470 is replaced by leucine, an amino acid with highly similar properties. This amino acid position is conserved. In addition, this alteration is predicted to be tolerated by in silico analysis. Since supporting evidence is limited at this time, the clinical significance of this alteration remains unclear.

NM_198578.4(LRRK2):c.7408A>T (p.Met2470Leu)

Gene: LRRK2 (leucine rich repeat kinase 2; plus strand). Cytogenetic location: 12q12.
Variant type: single nucleotide variant.
Coding change: c.7408A>T on transcript NM_198578.4 (MANE Select); coding-DNA position 7408, A replaced by T.
Protein change: p.Met2470Leu; replaces methionine 2470 with leucine.
Molecular consequence: missense variant.
Genome position (GRCh38, 1-based): chr12:40,367,023, A>T. VCF-style: chr12-40367023-A-T. GRCh37 (hg19) VCF-style: chr12-40760825-A-T.
Other names: short protein forms M2470L.
Identifiers: ClinVar variation 1758762 (VCV001758762.3), dbSNP rs2500057970, ClinGen allele CA384415686.